The following is an entry in ClinVar:

ClinVar aggregate classification (germline): Pathogenic (1 of 4 stars; one submission).

Conditions:
Hereditary cancer-predisposing syndrome. Also called: Neoplastic Syndromes, Hereditary; Tumor predisposition; Hereditary Cancer Syndrome; Hereditary neoplastic syndrome. Identifiers: Orphanet 140162, MedGen C0027672, MeSH D009386, MONDO:0015356.

Submission:

Ambry Genetics
Classification: Pathogenic for Hereditary cancer-predisposing syndrome. Last evaluated: 2020-12-08. Review status: criteria provided, single submitter. Criteria: Ambry Variant Classification Scheme 2023. Collection method: clinical testing. Allele origin: germline.
Comment: The c.157_173del17 pathogenic mutation, located in coding exon 2 of the CDC73 gene, results from a deletion of 17 nucleotides at nucleotide positions 157 to 173, causing a translational frameshift with a predicted alternate stop codon (p.E53Ffs*7). This alteration is expected to result in loss of function by premature protein truncation or nonsense-mediated mRNA decay. As such, this alteration is interpreted as a disease-causing mutation.

NM_024529.5(CDC73):c.157_173del (p.Glu53fs)

Gene: CDC73 (cell division cycle 73; plus strand). Cytogenetic location: 1q31.2.
Variant type: Deletion.
Coding change: c.157_173del on transcript NM_024529.5 (MANE Select); coding-DNA positions 157 to 173, 17 bases deleted (GAGTACTACACATTGGA).
Protein change: p.Glu53fs; shifts the reading frame from glutamic acid 53.
Molecular consequence: frameshift variant.
Genome position (GRCh38, 1-based): chr1:193,125,137-193,125,153, GAGTACTACACATTGGA deleted; deleting any 17 consecutive bases within chr1:193,125,135-193,125,153 gives the same sequence; the c. name uses the placement nearest the transcript's 3' end. VCF-style (leftmost placement, unchanged base first): chr1-193125134-AGAGAGTACTACACATTG-A. GRCh37 (hg19) VCF-style: chr1-193094264-AGAGAGTACTACACATTG-A.
Other names: short protein forms E53fs.
Identifiers: ClinVar variation 1775493 (VCV001775493.2), dbSNP rs2527289344, ClinGen allele CA2580061762.